The following is an entry in ClinVar:

ClinVar aggregate classification (germline): Uncertain significance (1 of 4 stars; one submission).

Conditions:
Catecholaminergic polymorphic ventricular tachycardia 1. Also called: RYR2-Related Catecholaminergic Polymorphic Ventricular Tachycardia; VENTRICULAR TACHYCARDIA, CATECHOLAMINERGIC POLYMORPHIC, 1, WITH OR WITHOUT ATRIAL DYSFUNCTION AND/OR DILATED CARDIOMYOPATHY; VENTRICULAR TACHYCARDIA, STRESS-INDUCED POLYMORPHIC 1. Identifiers: Orphanet 3286, MedGen C1631597, MONDO:0011484, OMIM 604772.

Submission:

Labcorp Genetics (formerly Invitae), Labcorp
Classification: Uncertain significance for Catecholaminergic polymorphic ventricular tachycardia 1. Last evaluated: 2022-05-20. Review status: criteria provided, single submitter. Criteria: Invitae Variant Classification Sherloc (09022015). Collection method: clinical testing. Allele origin: germline.
Comment: Advanced modeling of protein sequence and biophysical properties (such as structural, functional, and spatial information, amino acid conservation, physicochemical variation, residue mobility, and thermodynamic stability) performed at Invitae indicates that this missense variant is not expected to disrupt RYR2 protein function. In summary, the available evidence is currently insufficient to determine the role of this variant in disease. Therefore, it has been classified as a Variant of Uncertain Significance. This variant has not been reported in the literature in individuals affected with RYR2-related conditions. This variant is not present in population databases (gnomAD no frequency). This sequence change replaces valine, which is neutral and non-polar, with leucine, which is neutral and non-polar, at codon 2452 of the RYR2 protein (p.Val2452Leu).

NM_001035.3(RYR2):c.7354G>T (p.Val2452Leu)

Gene: RYR2 (ryanodine receptor 2; plus strand). Cytogenetic location: 1q43.
Variant type: single nucleotide variant.
Coding change: c.7354G>T on transcript NM_001035.3 (MANE Select); coding-DNA position 7354, G replaced by T.
Protein change: p.Val2452Leu; replaces valine 2452 with leucine.
Molecular consequence: missense variant.
Genome position (GRCh38, 1-based): chr1:237,648,455, G>T. VCF-style: chr1-237648455-G-T. GRCh37 (hg19) VCF-style: chr1-237811755-G-T.
Other names: short protein forms V2452L.
Identifiers: ClinVar variation 1996837 (VCV001996837.4), dbSNP rs377136047, ClinGen allele CA345397994.